The following is an entry in ClinVar:

ClinVar aggregate classification (germline): Benign/Likely benign. Review status: criteria provided, multiple submitters, no conflicts (2 of 4 stars). 8 submissions from 8 submitters: Benign (2); Likely benign (5). 1 of the submissions does not count toward it. Last evaluated 2026-06-09.

Conditions:
Hyperammonemia, type III (NAGSD). Also called: Hyperammonemia due to N-acetylglutamate synthase deficiency. Identifiers: Orphanet 927, MedGen C0268543, MONDO:0009377, OMIM 237310.
NAGS-related disorder. Also called: NAGS-related condition.

Allele frequency attached by ClinVar (database versions not stated): gnomAD exomes 0.00039 and 0.00104; ExAC 0.00131; ESP Exome Variant Server 0.00200; gnomAD 0.00448 and 0.00480; 1000 Genomes Project 30x 0.00500; TOPMed 0.00502; 1000 Genomes Project 0.00539.

Submissions (8):

PreventionGenetics, part of Exact Sciences
Classification: Likely benign for NAGS-related condition. Last evaluated: 2026-06-09. Review status: criteria provided, single submitter. Criteria: ACMG Guidelines, 2015. Collection method: clinical testing. Allele origin: germline.
Comment: This variant is classified as likely benign based on ACMG/AMP sequence variant interpretation guidelines (Richards et al. 2015 PMID: 25741868, with internal and published modifications).

CeGaT Center for Human Genetics Tuebingen
Classification: Likely benign. Last evaluated: 2026-04-01. Review status: criteria provided, single submitter. Criteria: CeGaT Center For Human Genetics Tuebingen Variant Classification Criteria Version 2. Collection method: clinical testing. Allele origin: germline. Affected: yes. Observed: 1 variant allele.
Comment: NAGS: BS1

Labcorp Genetics (formerly Invitae), Labcorp
Classification: Benign for Hyperammonemia, type III. Last evaluated: 2026-01-28. Review status: criteria provided, single submitter. Criteria: Invitae Variant Classification Sherloc (09022015). Collection method: clinical testing. Allele origin: germline.

Blueprint Genetics
Classification: Likely benign. Last evaluated: 2024-11-26. Review status: criteria provided, single submitter. Criteria: ACMG Guidelines, 2015. Collection method: clinical testing. Allele origin: germline.

GeneDx
Classification: Likely benign. Last evaluated: 2022-02-09. Review status: criteria provided, single submitter. Criteria: GeneDx Variant Classification Process June 2021. Collection method: clinical testing. Allele origin: germline. Affected: yes.

Illumina Laboratory Services, Illumina
Classification: Benign for Hyperammonemia, type III. Last evaluated: 2018-01-12. Review status: criteria provided, single submitter. Criteria: ICSL Variant Classification Criteria 13 December 2019. Collection method: clinical testing. Allele origin: germline.
Comment: This variant was observed in the ICSL laboratory as part of a predisposition screen in an ostensibly healthy population. It had not been previously curated by ICSL or reported in the Human Gene Mutation Database (HGMD: prior to June 1st, 2018), and was therefore a candidate for classification through an automated scoring system. Utilizing variant allele frequency, disease prevalence and penetrance estimates, and inheritance mode, an automated score was calculated to assess if this variant is too frequent to cause the disease. Based on the score and internal cut-off values, a variant classified as benign is not then subjected to further curation. The score for this variant resulted in a classification of benign for this disease.

Breakthrough Genomics
Classification: Likely benign. Review status: criteria provided, single submitter. Criteria: ACMG Guidelines, 2015. Collection method: not provided. Allele origin: germline. Inheritance: Autosomal recessive inheritance. Affected: yes.

Natera, Inc.
Classification: Benign for Hyperammonemia type III. Last evaluated: 2019-12-10. Review status: no assertion criteria provided. Collection method: clinical testing. Allele origin: germline. Not counted in ClinVar's aggregate classification.

NM_153006.3(NAGS):c.284C>T (p.Pro95Leu)

Gene: NAGS (N-acetylglutamate synthase; plus strand). Cytogenetic location: 17q21.31.
Variant type: single nucleotide variant.
Coding change: c.284C>T on transcript NM_153006.3 (MANE Select); coding-DNA position 284, C replaced by T.
Protein change: p.Pro95Leu; replaces proline 95 with leucine.
Molecular consequence: missense variant.
Genome position (GRCh38, 1-based): chr17:44,004,947, C>T. VCF-style: chr17-44004947-C-T. GRCh37 (hg19) VCF-style: chr17-42082315-C-T.
Other names: short protein forms P95L.
Identifiers: ClinVar variation 378228 (VCV000378228.33), dbSNP rs200607114, ClinGen allele CA8595114.
Genomic context (GRCh38, chr17:44,004,947, plus strand): 5'-CCGAGGAGCCGTCGTGGGTGCCGAGTCCCAGGCCCCCGGTGCCCCACGAGTCCCCAGAGC[C>T]TCCTTCGGGCCGCTCGCTGGTGCAGCGGGACATCCAGGCCTTCCTGAACCAGTGCGGGGC-3'
Protein context (NP_694551.1, residues 85-105): RPPVPHESPE[Pro95Leu]PSGRSLVQRD